The following is an entry in ClinVar:

ClinVar aggregate classification (germline): Benign (1 of 4 stars; one submission).

Conditions:
MELAS syndrome (MELAS). Also called: Juvenile myopathy, encephalopathy, lactic acidosis, stroke. Identifiers: Orphanet 550, MedGen C0162671, MONDO:0010789, OMIM 540000.

Submission:

Wong Mito Lab, Molecular and Human Genetics, Baylor College of Medicine
Classification: Benign for MELAS syndrome. Last evaluated: 2019-07-12. Review status: criteria provided, single submitter. Criteria: Modified ACMG Guidelines (Unpublished). Collection method: clinical testing. Allele origin: germline.
Comment: The NC_012920.1:m.12191C>T variant in MT-TH gene is interpreted to be a Benign variant based on the modified ACMG guidelines (unpublished). This variant meets the following evidence codes reported in the guidelines: BS1, BS4, BP4

Literature cited by the submitters: PubMed 31965079.

NC_012920.1(MT-TH):m.12191C>T

Gene: MT-TH (mitochondrially encoded tRNA histidine; plus strand).
Variant type: single nucleotide variant.
Genome position: chrM-12191-C-T.
Identifiers: ClinVar variation 690152 (VCV000690152.1), dbSNP rs1603223610, ClinGen allele CA913169647.